The following is an entry in ClinVar:

ClinVar aggregate classification (germline): Uncertain significance. Review status: criteria provided, multiple submitters, no conflicts (2 of 4 stars). 3 submissions from 3 submitters: Uncertain significance (3). Last evaluated 2024-11-05.

Conditions:
Hereditary nonpolyposis colorectal neoplasms. Identifiers: MedGen C0009405, MeSH D003123.
Hereditary cancer-predisposing syndrome. Also called: Neoplastic Syndromes, Hereditary; Tumor predisposition; Hereditary neoplastic syndrome; Hereditary Cancer Syndrome. Identifiers: Orphanet 140162, MedGen C0027672, MeSH D009386, MONDO:0015356.

Submissions (3):

Labcorp Genetics (formerly Invitae), Labcorp
Classification: Uncertain significance for Hereditary nonpolyposis colorectal neoplasms. Last evaluated: 2024-11-05. Review status: criteria provided, single submitter. Criteria: Invitae Variant Classification Sherloc (09022015). Collection method: clinical testing. Allele origin: germline.
Comment: This sequence change falls in intron 2 of the MSH6 gene. It does not directly change the encoded amino acid sequence of the MSH6 protein. It affects a nucleotide within the consensus splice site. This variant is not present in population databases (gnomAD no frequency). This variant has not been reported in the literature in individuals affected with MSH6-related conditions. ClinVar contains an entry for this variant (Variation ID: 630008). Variants that disrupt the consensus splice site are a relatively common cause of aberrant splicing (PMID: 17576681, 9536098). Studies have shown that this variant is associated with inconclusive levels of altered splicing (internal data). In summary, the available evidence is currently insufficient to determine the role of this variant in disease. Therefore, it has been classified as a Variant of Uncertain Significance.

Ambry Genetics
Classification: Uncertain significance for Hereditary cancer-predisposing syndrome. Last evaluated: 2023-08-09. Review status: criteria provided, single submitter. Criteria: Ambry Variant Classification Scheme 2023. Collection method: clinical testing. Allele origin: germline.
Comment: The c.458-3T>G intronic variant results from a T to G substitution 3 nucleotides upstream from coding exon 3 in the MSH6 gene. This nucleotide position is not well conserved in available vertebrate species. In silico splice site analysis predicts that this alteration may weaken the native splice acceptor site; however, direct evidence is insufficient at this time (Ambry internal data). Since supporting evidence is limited at this time, the clinical significance of this alteration remains unclear.

Color Diagnostics, LLC DBA Color Health
Classification: Uncertain significance for Hereditary cancer-predisposing syndrome. Last evaluated: 2021-01-20. Review status: criteria provided, single submitter. Criteria: ACMG Guidelines, 2015. Collection method: clinical testing. Allele origin: germline.
Comment: This variant causes a T to G nucleotide substitution at the -3 position of intron 2 of the MSH6 gene. Splice site prediction tools predict that this variant may have a significant impact on RNA splicing. To our knowledge, functional studies have not been reported for this variant. This variant has not been reported in individuals affected with hereditary cancer in the literature. This variant has not been identified in the general population by the Genome Aggregation Database (gnomAD). The available evidence is insufficient to determine the role of this variant in disease conclusively. Therefore, this variant is classified as a Variant of Uncertain Significance.

Literature cited by the submitters: PubMed 17576681 (cited by Labcorp Genetics (formerly Invitae), Labcorp); PubMed 9536098 (cited by Labcorp Genetics (formerly Invitae), Labcorp).

NM_000179.3(MSH6):c.458-3T>G

Gene: MSH6 (mutS homolog 6; plus strand). Cytogenetic location: 2p16.3.
Variant type: single nucleotide variant.
Coding change: c.458-3T>G on transcript NM_000179.3 (MANE Select); 3 bases into the intron before coding-DNA position 458, T replaced by G.
Molecular consequence: intron variant.
Genome position (GRCh38, 1-based): chr2:47,795,891, T>G. VCF-style: chr2-47795891-T-G. GRCh37 (hg19) VCF-style: chr2-48023030-T-G.
Other names: c.-279-2720T>G (NM_001281493.2); c.238-2720T>G (NM_001281492.2); c.-445-3T>G (NM_001281494.2).
Identifiers: ClinVar variation 630008 (VCV000630008.13), dbSNP rs1558656394, ClinGen allele CA913188006.